The following is an entry in ClinVar:

NM_000498.3(CYP11B2):c.1353C>T (p.Leu451=)

Genes: CYP11B2 (cytochrome P450 family 11 subfamily B member 2; minus strand), LOC106799834 (CYP11B2 recombination region; plus strand). Cytogenetic location: 8q24.3.
Variant type: single nucleotide variant.
Coding change: c.1353C>T on transcript NM_000498.3 (MANE Select); coding-DNA position 1353, C replaced by T.
Protein change: p.Leu451=; no amino-acid change (leucine 451 retained).
Molecular consequence: synonymous variant.
Genome position (GRCh38, 1-based): chr8:142,912,575, G>A on the plus strand (C>T on the coding strand, the complement: CYP11B2 is on the minus strand). VCF-style: chr8-142912575-G-A. GRCh37 (hg19) VCF-style: chr8-143993991-G-A.
Identifiers: ClinVar variation 741055 (VCV000741055.19), dbSNP rs371126595, ClinGen allele CA4905837.

ClinVar aggregate classification (germline): Benign/Likely benign. Review status: criteria provided, multiple submitters, no conflicts (2 of 4 stars). 7 submissions from 5 submitters: Benign (2); Likely benign (4). 1 of the submissions does not count toward it. Last evaluated 2026-01-05.

Conditions:
Corticosterone methyloxidase type 2 deficiency. Also called: 18-OXIDASE DEFICIENCY; ALDOSTERONE DEFICIENCY DUE TO DEFICIENCY OF STEROID 18-OXIDASE; ALDOSTERONE DEFICIENCY II; CMO II DEFICIENCY; STEROID 18-OXIDASE DEFICIENCY. Identifiers: Orphanet 427, MedGen C3463917, MONDO:0012524, OMIM 610600. Disease mechanism: loss of function.
Corticosterone 18-monooxygenase deficiency. Also called: ALDOSTERONE DEFICIENCY DUE TO DEFECT IN STEROID 18-HYDROXYLASE; ALDOSTERONE DEFICIENCY I; CMO I DEFICIENCY; STEROID 18-HYDROXYLASE DEFICIENCY; 18 Hydroxylase deficiency; Aldosterone deficiency due to defect in 18 hydroxylase. Identifiers: Orphanet 427, MedGen C0268293, MONDO:0008751, OMIM 203400. Disease mechanism: loss of function.
Glucocorticoid-remediable aldosteronism. Also called: ACTH-DEPENDENT HYPERALDOSTERONISM SYNDROME; ALDOSTERONISM, SENSITIVE TO DEXAMETHASONE; FH I; GLUCOCORTICOID-SUPPRESSIBLE HYPERALDOSTERONISM; Hyperaldosteronism, familial, type I. Identifiers: Orphanet 403, MedGen C3838731, MONDO:0007080, OMIM 103900.

Allele frequency attached by ClinVar (database versions not stated): ESP Exome Variant Server 0.00023; TOPMed 0.00024; gnomAD 0.00026 and 0.00042; gnomAD exomes 0.00074; ExAC 0.00080; 1000 Genomes Project 0.00100; 1000 Genomes Project 30x 0.00109.

Submissions (7):

Labcorp Genetics (formerly Invitae), Labcorp
Classification: Benign. Last evaluated: 2026-01-05. Review status: criteria provided, single submitter. Criteria: Invitae Variant Classification Sherloc (09022015). Collection method: clinical testing. Allele origin: germline.

Women's Health and Genetics/Laboratory Corporation of America, LabCorp
Classification: Likely benign. Last evaluated: 2025-04-07. Review status: criteria provided, single submitter. Criteria: LabCorp Variant Classification Summary - May 2015. Collection method: clinical testing. Allele origin: germline.

Blueprint Genetics
Classification: Likely benign. Last evaluated: 2024-02-14. Review status: criteria provided, single submitter. Criteria: ACMG Guidelines, 2015. Collection method: clinical testing. Allele origin: germline.

Illumina Laboratory Services, Illumina
Classification: Likely benign for Corticosterone 18-monooxygenase deficiency. Last evaluated: 2018-01-12. Review status: criteria provided, single submitter. Criteria: ICSL Variant Classification Criteria 13 December 2019. Collection method: clinical testing. Allele origin: germline.
Comment: This variant was observed in the ICSL laboratory as part of a predisposition screen in an ostensibly healthy population. It had not been previously curated by ICSL or reported in the Human Gene Mutation Database (HGMD: prior to June 1st, 2018), and was therefore a candidate for classification through an automated scoring system. Utilizing variant allele frequency, disease prevalence and penetrance estimates, and inheritance mode, an automated score was calculated to assess if this variant is too frequent to cause the disease. Based on the score and internal cut-off values, a variant classified as likely benign is not then subjected to further curation. The score for this variant resulted in a classification of likely benign for this disease.

Illumina Laboratory Services, Illumina
Classification: Likely benign for Corticosterone methyloxidase type 2 deficiency. Last evaluated: 2018-01-12. Review status: criteria provided, single submitter. Criteria: ICSL Variant Classification Criteria 13 December 2019. Collection method: clinical testing. Allele origin: germline.
Comment: the same text as in the submission from Illumina Laboratory Services, Illumina above.

Illumina Laboratory Services, Illumina
Classification: Benign for Hyperaldosteronism, familial, type I. Last evaluated: 2018-01-12. Review status: criteria provided, single submitter. Criteria: ICSL Variant Classification Criteria 13 December 2019. Collection method: clinical testing. Allele origin: germline.
Comment: This variant was observed in the ICSL laboratory as part of a predisposition screen in an ostensibly healthy population. It had not been previously curated by ICSL or reported in the Human Gene Mutation Database (HGMD: prior to June 1st, 2018), and was therefore a candidate for classification through an automated scoring system. Utilizing variant allele frequency, disease prevalence and penetrance estimates, and inheritance mode, an automated score was calculated to assess if this variant is too frequent to cause the disease. Based on the score and internal cut-off values, a variant classified as benign is not then subjected to further curation. The score for this variant resulted in a classification of benign for this disease.

Natera, Inc.
Classification: Uncertain significance for Corticosterone 18-monooxygenase deficiency. Last evaluated: 2019-11-11. Review status: no assertion criteria provided. Collection method: clinical testing. Allele origin: germline. Not counted in ClinVar's aggregate classification.